The following is an entry in ClinVar:

ClinVar aggregate classification (germline): Uncertain significance (1 of 4 stars; one submission).

Conditions:
Hyperkalemic periodic paralysis. Also called: Familial hyperkalemic periodic paralysis; Gamstorp disease. Identifiers: Orphanet 682, MedGen C0238357, MONDO:0008224, OMIM 170500, HP:0007215.

gnomAD v4.1: 6 of 1,613,420 alleles (0.00037%); highest among the groups gnomAD compares: Admixed American, 0.005%; no homozygotes.

Submission:

Labcorp Genetics (formerly Invitae), Labcorp
Classification: Uncertain significance for Hyperkalemic periodic paralysis. Last evaluated: 2024-11-06. Review status: criteria provided, single submitter. Criteria: Invitae Variant Classification Sherloc (09022015). Collection method: clinical testing. Allele origin: germline.
Comment: This sequence change replaces threonine, which is neutral and polar, with alanine, which is neutral and non-polar, at codon 140 of the SCN4A protein (p.Thr140Ala). This variant is present in population databases (no rsID available, gnomAD 0.006%). This variant has not been reported in the literature in individuals affected with SCN4A-related conditions. Invitae Evidence Modeling of protein sequence and biophysical properties (such as structural, functional, and spatial information, amino acid conservation, physicochemical variation, residue mobility, and thermodynamic stability) indicates that this missense variant is expected to disrupt SCN4A protein function with a positive predictive value of 80%. In summary, the available evidence is currently insufficient to determine the role of this variant in disease. Therefore, it has been classified as a Variant of Uncertain Significance.

NM_000334.4(SCN4A):c.418A>G (p.Thr140Ala)

Gene: SCN4A (sodium voltage-gated channel alpha subunit 4; minus strand). Cytogenetic location: 17q23.3.
Variant type: single nucleotide variant.
Coding change: c.418A>G on transcript NM_000334.4 (MANE Select); coding-DNA position 418, A replaced by G.
Protein change: p.Thr140Ala; replaces threonine 140 with alanine.
Molecular consequence: missense variant.
Genome position (GRCh38, 1-based): chr17:63,972,200, T>C on the plus strand (A>G on the coding strand, the complement: SCN4A is on the minus strand). VCF-style: chr17-63972200-T-C. GRCh37 (hg19) VCF-style: chr17-62049560-T-C.
Other names: short protein forms T140A.
Identifiers: ClinVar variation 3714370 (VCV003714370.2).